The following is an entry in ClinVar:

ClinVar aggregate classification (germline): Pathogenic/Likely pathogenic. Review status: criteria provided, multiple submitters, no conflicts (2 of 4 stars). 3 submissions from 3 submitters: Pathogenic (2); Likely pathogenic (1). Last evaluated 2026-06-01.

Conditions:
Bloom syndrome (BLM). Also called: Bloom-Torre-Machacek syndrome. Identifiers: Orphanet 125, MedGen C0005859, MONDO:0008876, OMIM 210900.
BLM-related disorder. Also called: BLM-related condition.

Submissions (3):

Myriad Genetics, Inc.
Classification: Pathogenic for Bloom syndrome. Last evaluated: 2026-06-01. Review status: criteria provided, single submitter. Criteria: Myriad Autosomal Dominant, Autosomal Recessive and X-Linked Classification Criteria (2023). Collection method: clinical testing. Allele origin: unknown.
Comment: This variant is considered pathogenic. This variant creates a termination codon and is predicted to result in premature protein truncation.

Labcorp Genetics (formerly Invitae), Labcorp
Classification: Pathogenic for Bloom syndrome. Last evaluated: 2020-11-15. Review status: criteria provided, single submitter. Criteria: Invitae Variant Classification Sherloc (09022015). Collection method: clinical testing. Allele origin: germline.
Comment: For these reasons, this variant has been classified as Pathogenic. This variant has not been reported in the literature in individuals with BLM-related conditions. This variant is not present in population databases (ExAC no frequency). This sequence change creates a premature translational stop signal (p.Gln497*) in the BLM gene. It is expected to result in an absent or disrupted protein product. Loss-of-function variants in BLM are known to be pathogenic (PMID: 17407155).

Blueprint Genetics
Classification: Likely pathogenic for BLM-related disorders. Last evaluated: 2019-09-19. Review status: criteria provided, single submitter. Criteria: ACMG Guidelines, 2015. Collection method: clinical testing. Allele origin: germline. Affected: yes. Observed: 1 variant allele.

Literature cited by the submitters: PubMed 17407155 (cited by Labcorp Genetics (formerly Invitae), Labcorp).

NM_000057.4(BLM):c.1489C>T (p.Gln497Ter)

Gene: BLM (BLM RecQ like helicase; plus strand). Cytogenetic location: 15q26.1.
Variant type: single nucleotide variant.
Coding change: c.1489C>T on transcript NM_000057.4 (MANE Select); coding-DNA position 1489, C replaced by T.
Protein change: p.Gln497Ter; replaces glutamine 497 with a stop codon.
Molecular consequence: nonsense.
Genome position (GRCh38, 1-based): chr15:90,760,862, C>T. VCF-style: chr15-90760862-C-T. GRCh37 (hg19) VCF-style: chr15-91304092-C-T.
Other names: c.1489C>T, p.Gln497Ter (NM_001287246.2, NM_001287247.2); c.364C>T, p.Gln122Ter (NM_001287248.2); short protein forms Q122*, Q497*.
Identifiers: ClinVar variation 1366642 (VCV001366642.8), dbSNP rs2151158321, ClinGen allele CA393843171.
Genomic context (GRCh38, chr15:90,760,862, plus strand): 5'-ACAGGATTCTCTGCCACCAGGAAGAATCTTTTTGAAAGGCCTTTATTCAATACCCATTTA[C>T]AGAAGTCCTTTGTAAGTAGCAACTGGGCTGAAACACCAAGACTAGGAAAAAAAAATGAAA-3'